The following is an entry in ClinVar:

ClinVar aggregate classification (germline): Uncertain significance (1 of 4 stars; one submission).

Conditions:
Combined oxidative phosphorylation deficiency 36 (COXPD36). Identifiers: MedGen C4693722, MONDO:0054781, OMIM 617950.

Allele frequency attached by ClinVar (database versions not stated): gnomAD exomes below 0.00001.
gnomAD v4.1: 7 of 1,613,882 alleles (0.00043%); highest among the groups gnomAD compares: Non-Finnish European, 0.00051%; no homozygotes.

Submission:

Neuberg Centre For Genomic Medicine, NCGM
Classification: Uncertain significance for Combined oxidative phosphorylation deficiency 36. Last evaluated: 2023-02-14. Review status: criteria provided, single submitter. Criteria: ACMG Guidelines, 2015. Collection method: clinical testing. Allele origin: germline. Inheritance: Autosomal recessive inheritance. Affected: yes.
Comment: The missense variant c.223G>A (p.Val75Ile) in the MRPS2 gene has not been reported previously as a pathogenic variant nor as a benign variant, to our knowledge. This variant is novel (not in any individuals) in gnomAD Exomes and 1000 Genomes. The amino acid Valine at position 75 is changed to a Isoleucine changing protein sequence and it might alter its composition and physico-chemical properties. The amino acid change p.Val75Ile in MRPS2 is predicted as conserved by GERP++ and PhyloP across 100 vertebrates. For these reasons, this variant has been classified as Uncertain Significance.

NM_016034.5(MRPS2):c.223G>A (p.Val75Ile)

Gene: MRPS2 (mitochondrial ribosomal protein S2; plus strand). Cytogenetic location: 9q34.3.
Variant type: single nucleotide variant.
Coding change: c.223G>A on transcript NM_016034.5 (MANE Select); coding-DNA position 223, G replaced by A.
Protein change: p.Val75Ile; replaces valine 75 with isoleucine.
Molecular consequence: missense variant. On other transcripts: non-coding transcript variant (4).
Genome position (GRCh38, 1-based): chr9:135,501,897, G>A. VCF-style: chr9-135501897-G-A. GRCh37 (hg19) VCF-style: chr9-138393743-G-A.
Other names: c.223G>A, p.Val75Ile (NM_001371401.1); short protein forms V75I.
Identifiers: ClinVar variation 2671727 (VCV002671727.1), dbSNP rs2490468995, ClinGen allele CA375482294.
Genomic context (GRCh38, chr9:135,501,897, plus strand): 5'-GCCGTAGATTTCAACGACAAGATTTTGAATGAGCCCCTCAAGCACTCTGACTTCTTCAAT[G>A]TCAAGGAACTGTTTTCCGTGAGAAGCCTCTTCGATGCCCGAGTCCATCTGGGACACAAAG-3'
Protein context (NP_057118.1, residues 65-85): EPLKHSDFFN[Val75Ile]KELFSVRSLF